The following is an entry in ClinVar:

NM_004655.4(AXIN2):c.193C>G (p.Pro65Ala)

Gene: AXIN2 (axin 2; minus strand). Cytogenetic location: 17q24.1.
Variant type: single nucleotide variant.
Coding change: c.193C>G on transcript NM_004655.4 (MANE Select); coding-DNA position 193, C replaced by G.
Protein change: p.Pro65Ala; replaces proline 65 with alanine.
Molecular consequence: missense variant.
Genome position (GRCh38, 1-based): chr17:65,558,428, G>C on the plus strand (C>G on the coding strand, the complement: AXIN2 is on the minus strand). VCF-style: chr17-65558428-G-C. GRCh37 (hg19) VCF-style: chr17-63554546-G-C.
Other names: c.193C>G, p.Pro65Ala (NM_001363813.1); short protein forms P65A.
Identifiers: ClinVar variation 2417053 (VCV002417053.4), dbSNP rs2144589886, ClinGen allele CA400681925.
Genomic context (GRCh38, chr17:65,558,428, plus strand): 5'-AGGAGTGTAAGGACTTGGTCCACCGGGTCAGAGGGGAATCCGGAGATGCCCGCCCCTCCG[G>C]CTCCCCCAACCCATCTTCGTTCCGCCTGGTGTTGGAAGAGACAGGCATGGGTTTGGTGAC-3'
Protein context (NP_004646.3, residues 55-75): TRRNEDGLGE[Pro65Ala]EGRASPDSPL

ClinVar aggregate classification (germline): Uncertain significance (1 of 4 stars; one submission).

Conditions:
Oligodontia-cancer predisposition syndrome. Also called: TOOTH AGENESIS-COLORECTAL CANCER SYNDROME. Identifiers: Orphanet 300576, MedGen C1837750, MONDO:0012075, OMIM 608615. Disease mechanism: loss of function.

Submission:

Labcorp Genetics (formerly Invitae), Labcorp
Classification: Uncertain significance for Oligodontia-cancer predisposition syndrome. Last evaluated: 2022-06-10. Review status: criteria provided, single submitter. Criteria: Invitae Variant Classification Sherloc (09022015). Collection method: clinical testing. Allele origin: germline.
Comment: This variant is not present in population databases (gnomAD no frequency). In summary, the available evidence is currently insufficient to determine the role of this variant in disease. Therefore, it has been classified as a Variant of Uncertain Significance. Algorithms developed to predict the effect of missense changes on protein structure and function are either unavailable or do not agree on the potential impact of this missense change (SIFT: "Tolerated"; PolyPhen-2: "Probably Damaging"; Align-GVGD: "Class C0"). This variant has not been reported in the literature in individuals affected with AXIN2-related conditions. This sequence change replaces proline, which is neutral and non-polar, with alanine, which is neutral and non-polar, at codon 65 of the AXIN2 protein (p.Pro65Ala).